The following is an entry in ClinVar:

NM_006329.4(FBLN5):c.1186-260G>A

Gene: FBLN5 (fibulin 5; minus strand). Cytogenetic location: 14q32.12.
Variant type: single nucleotide variant.
Coding change: c.1186-260G>A on transcript NM_006329.4 (MANE Select); 260 bases into the intron before coding-DNA position 1186, G replaced by A.
Molecular consequence: intron variant.
Genome position (GRCh38, 1-based): chr14:91,870,645, C>T on the plus strand (G>A on the coding strand, the complement: FBLN5 is on the minus strand). VCF-style: chr14-91870645-C-T. GRCh37 (hg19) VCF-style: chr14-92336989-C-T.
Other names: c.1365-260G>A (NM_001384160.1); c.1309-260G>A (NM_001384158.1); c.1018-260G>A (NM_001384162.1); c.1197-260G>A (NM_001384161.1); c.1237-260G>A (NM_001384159.1).
Identifiers: ClinVar variation 683869 (VCV000683869.1), dbSNP rs929609, ClinGen allele CA13983008.

ClinVar aggregate classification (germline): Benign (1 of 4 stars; one submission).

Allele frequency attached by ClinVar (database versions not stated): gnomAD 0.40383 and 0.41315; TOPMed 0.40439; 1000 Genomes Project 30x 0.43535; 1000 Genomes Project 0.44249.
gnomAD v4.1: 62,925 of 152,150 alleles (41%); highest among the groups gnomAD compares: East Asian, 63%; 14,253 homozygotes.

Submission:

GeneDx
Classification: Benign. Last evaluated: 2018-06-19. Review status: criteria provided, single submitter. Criteria: GeneDx Variant Classification (06012015). Collection method: clinical testing. Allele origin: germline. Affected: yes.
Comment: This variant is considered likely benign or benign based on one or more of the following criteria: it is a conservative change, it occurs at a poorly conserved position in the protein, it is predicted to be benign by multiple in silico algorithms, and/or has population frequency not consistent with disease.